The following is an entry in ClinVar:

ClinVar aggregate classification (germline): Uncertain significance (1 of 4 stars; one submission).

Conditions:
Microcephaly, normal intelligence and immunodeficiency (NBS). Also called: Nijmegen breakage syndrome; Microcephaly with normal intelligence immunodeficiency and lymphoreticular malignancies; Nonsyndromal microcephaly autosomal recessive with normal intelligence; Seemanova syndrome 2; IMMUNODEFICIENCY, MICROCEPHALY, AND CHROMOSOMAL INSTABILITY; Ataxia telangiectasia variant V1. Identifiers: Orphanet 647, MedGen C0398791, MONDO:0009623, OMIM 251260.

Submission:

Labcorp Genetics (formerly Invitae), Labcorp
Classification: Uncertain significance for Microcephaly, normal intelligence and immunodeficiency. Last evaluated: 2022-05-16. Review status: criteria provided, single submitter. Criteria: Invitae Variant Classification Sherloc (09022015). Collection method: clinical testing. Allele origin: germline.
Comment: This variant results in a copy number gain of the genomic region encompassing exon(s) 1-14 of the NBN gene. This region includes the initiator codon of the gene. This copy number gain extends beyond the assayed region for this gene and therefore may encompass additional genes. As the precise location of this event is unknown, it may be in tandem or it may be located elsewhere in the genome. This variant has not been reported in the literature in individuals affected with NBN-related conditions. Experimental studies and prediction algorithms are not available or were not evaluated, and the functional significance of this variant is currently unknown. In summary, the available evidence is currently insufficient to determine the role of this variant in disease. Therefore, it has been classified as a Variant of Uncertain Significance.

NC_000008.10:g.(?_90955471)_(90996789_?)dup

Gene: NBN (nibrin; minus strand). Cytogenetic location: 8q21.3.
Variant type: Duplication.
Identifiers: ClinVar variation 2424467 (VCV002424467.3).